The following is an entry in ClinVar:

ClinVar aggregate classification (germline): Uncertain significance (1 of 4 stars; one submission).

Conditions:
Epileptic encephalopathy. Identifiers: MedGen C0543888, HP:0200134.

Submission:

Labcorp Genetics (formerly Invitae), Labcorp
Classification: Uncertain significance for Epileptic encephalopathy. Last evaluated: 2019-05-08. Review status: criteria provided, single submitter. Criteria: Invitae Variant Classification Sherloc (09022015). Collection method: clinical testing. Allele origin: germline.
Comment: In summary, this variant has uncertain impact on GABBR2 function. The available evidence is currently insufficient to determine its role in disease. Therefore, it has been classified as a Variant of Uncertain Significance. Experimental studies and prediction algorithms are not available for this variant, and the functional significance of the deleted amino acids is currently unknown. This variant has not been reported in the literature in individuals with a GABBR2-related disease. This variant is not present in population databases (ExAC no frequency). This variant, c.954_959delTTTCGA, results in the deletion of 2 amino acids of the GABBR2 protein (p.Asp318_Phe319del), but otherwise preserves the integrity of the reading frame.

NM_005458.8(GABBR2):c.954_959del (p.Asp318_Phe319del)

Gene: GABBR2 (gamma-aminobutyric acid type B receptor subunit 2; minus strand). Cytogenetic location: 9q22.33.
Variant type: Deletion.
Coding change: c.954_959del on transcript NM_005458.8 (MANE Select); coding-DNA positions 954 to 959, 6 bases deleted (TTTCGA; older notation c.954_959delTTTCGA).
Protein change: p.Asp318_Phe319del.
Molecular consequence: inframe deletion.
Genome position (GRCh38, 1-based): chr9:98,473,186-98,473,191, TCGAAA deleted on the plus strand (TTTCGA on the coding strand, the reverse complement: GABBR2 is on the minus strand); deleting any 6 consecutive bases within chr9:98,473,186-98,473,193 gives the same sequence; the c. name uses the placement nearest the transcript's 3' end. VCF-style (leftmost placement, unchanged base first): chr9-98473185-CTCGAAA-C. GRCh37 (hg19) VCF-style: chr9-101235467-CTCGAAA-C.
Identifiers: ClinVar variation 462140 (VCV000462140.10), dbSNP rs1554709553, ClinGen allele CA658657890.